The following is an entry in ClinVar:

ClinVar aggregate classification (germline): Uncertain significance (1 of 4 stars; one submission).

Conditions:
Malignant hyperthermia, susceptibility to, 1 (MHS1). Also called: Anesthesia related hyperthermia; Malignant hyperpyrexia; Fulminating hyperpyrexia; Pharmacogenic myopathy; RYR1-Related Malignant Hyperthermia Susceptibility; Malignant hyperthermia suceptibility 1. Identifiers: Orphanet 423, MedGen C2930980, MONDO:0007783, OMIM 145600.

Submission:

All of Us Research Program, National Institutes of Health
Classification: Uncertain significance for Malignant hyperthermia, susceptibility to, 1. Last evaluated: 2023-05-31. Review status: criteria provided, single submitter. Criteria: ACMG Guidelines, 2015. Collection method: clinical testing. Allele origin: germline. Inheritance: Autosomal dominant inheritance. Observed: 1 variant allele, 1 heterozygote.
Comment: This study involves interpretation of variants in research participants for the purpose of population health screening. Participant phenotype was not available at the time of variant classification. Additional details can be found in publication PMID: 35346344, PMCID: PMC8962531

NM_000540.3(RYR1):c.3333T>G (p.Asp1111Glu)

Gene: RYR1 (ryanodine receptor 1; plus strand). Cytogenetic location: 19q13.2.
Variant type: single nucleotide variant.
Coding change: c.3333T>G on transcript NM_000540.3 (MANE Select); coding-DNA position 3333, T replaced by G.
Protein change: p.Asp1111Glu; replaces aspartic acid 1111 with glutamic acid.
Molecular consequence: missense variant.
Genome position (GRCh38, 1-based): chr19:38,467,764, T>G. VCF-style: chr19-38467764-T-G. GRCh37 (hg19) VCF-style: chr19-38958404-T-G.
Other names: c.3333T>G, p.Asp1111Glu (NM_001042723.2); short protein forms D1111E.
Identifiers: ClinVar variation 3071399 (VCV003071399.1), dbSNP rs2514102606, ClinGen allele CA405637379.